The following is an entry in ClinVar:

ClinVar aggregate classification (germline): Uncertain significance (1 of 4 stars; one submission).

gnomAD v4.1: 1 of 1,607,716 alleles (0.000062%); no homozygotes.

Submission:

CeGaT Center for Human Genetics Tuebingen
Classification: Uncertain significance. Last evaluated: 2025-11-01. Review status: criteria provided, single submitter. Criteria: CeGaT Center For Human Genetics Tuebingen Variant Classification Criteria Version 2. Collection method: clinical testing. Allele origin: germline. Affected: yes. Observed: 1 variant allele.
Comment: KCND3: PM2

NM_001378969.1(KCND3):c.229G>A (p.Glu77Lys)

Gene: KCND3 (potassium voltage-gated channel subfamily D member 3; minus strand). Cytogenetic location: 1p13.2.
Variant type: single nucleotide variant.
Coding change: c.229G>A on transcript NM_001378969.1 (MANE Select); coding-DNA position 229, G replaced by A.
Protein change: p.Glu77Lys; replaces glutamic acid 77 with lysine.
Molecular consequence: missense variant.
Genome position (GRCh38, 1-based): chr1:111,982,498, C>T on the plus strand (G>A on the coding strand, the complement: KCND3 is on the minus strand). VCF-style: chr1-111982498-C-T. GRCh37 (hg19) VCF-style: chr1-112525120-C-T.
Other names: c.229G>A, p.Glu77Lys (NM_001378970.1, NM_004980.5, NM_172198.3); short protein forms E77K.
Identifiers: ClinVar variation 4535333 (VCV004535333.6).